The following is an entry in ClinVar:

NM_000535.7(PMS2):c.2402C>T (p.Ser801Phe)

Gene: PMS2 (PMS1 homolog 2, mismatch repair system component; minus strand). Cytogenetic location: 7p22.1.
Variant type: single nucleotide variant.
Coding change: c.2402C>T on transcript NM_000535.7 (MANE Select); coding-DNA position 2402, C replaced by T.
Protein change: p.Ser801Phe; replaces serine 801 with phenylalanine.
Molecular consequence: missense variant. On other transcripts: non-coding transcript variant (1).
Genome position (GRCh38, 1-based): chr7:5,977,631, G>A on the plus strand (C>T on the coding strand, the complement: PMS2 is on the minus strand). VCF-style: chr7-5977631-G-A. GRCh37 (hg19) VCF-style: chr7-6017262-G-A.
Other names: c.1997C>T, p.Ser666Phe (NM_001018040.1, NM_001322003.2, NM_001322004.2 and 12 more transcripts); c.2246C>T, p.Ser749Phe (NM_001322006.2); c.2084C>T, p.Ser695Phe (NM_001322007.2, NM_001322008.2, NM_001406883.1); c.2030C>T, p.Ser677Phe (NM_001322009.2, NM_001406887.1, NM_001406888.1); c.1841C>T, p.Ser614Phe (NM_001322010.2, NM_001406906.1, NM_001406907.1); c.1469C>T, p.Ser490Phe (NM_001322011.2, NM_001322012.2); c.1829C>T, p.Ser610Phe (NM_001322013.2, NM_001406908.1, NM_001406909.1); c.2435C>T, p.Ser812Phe (NM_001322014.2); and 20 more; short protein forms S544F, S614F, S630F, S689F, S695F, S706F, S735F, S400F.
Identifiers: ClinVar variation 1790751 (VCV001790751.2), dbSNP rs2128672523, ClinGen allele CA366735676.

ClinVar aggregate classification (germline): Uncertain significance (1 of 4 stars; one submission).

Conditions:
Hereditary cancer-predisposing syndrome. Also called: Hereditary Cancer Syndrome; Hereditary neoplastic syndrome; Tumor predisposition; Neoplastic Syndromes, Hereditary. Identifiers: Orphanet 140162, MedGen C0027672, MeSH D009386, MONDO:0015356.

Submission:

Ambry Genetics
Classification: Uncertain significance for Hereditary cancer-predisposing syndrome. Last evaluated: 2022-03-24. Review status: criteria provided, single submitter. Criteria: Ambry Variant Classification Scheme 2023. Collection method: clinical testing. Allele origin: germline.
Comment: The p.S801F variant (also known as c.2402C>T), located in coding exon 14 of the PMS2 gene, results from a C to T substitution at nucleotide position 2402. The serine at codon 801 is replaced by phenylalanine, an amino acid with highly dissimilar properties. This amino acid position is highly conserved in available vertebrate species. In addition, this alteration is predicted to be deleterious by in silico analysis. Since supporting evidence is limited at this time, the clinical significance of this alteration remains unclear.